The following is an entry in ClinVar:

ClinVar aggregate classification (germline): Benign/Likely benign. Review status: criteria provided, multiple submitters, no conflicts (2 of 4 stars). 2 submissions from 2 submitters: Benign (1); Likely benign (1). Last evaluated 2025-03-29.

Conditions:
MACF1-related disorder. Also called: MACF1-related condition.

Allele frequency attached by ClinVar (database versions not stated): gnomAD exomes 0.00008; ExAC 0.00020; gnomAD 0.00037; 1000 Genomes Project 0.00040; 1000 Genomes Project 30x 0.00047; TOPMed 0.00053; ESP Exome Variant Server 0.00054.
gnomAD v4.1: 183 of 1,614,218 alleles (0.011%); highest among the groups gnomAD compares: African/African-American, 0.095%; 1 homozygote.

Submissions (2):

Labcorp Genetics (formerly Invitae), Labcorp
Classification: Benign. Last evaluated: 2025-03-29. Review status: criteria provided, single submitter. Criteria: Invitae Variant Classification Sherloc (09022015). Collection method: clinical testing. Allele origin: germline.

PreventionGenetics, part of Exact Sciences
Classification: Likely benign for MACF1-related condition. Last evaluated: 2024-12-21. Review status: criteria provided, single submitter. Criteria: ACMG Guidelines, 2015. Collection method: clinical testing. Allele origin: germline.
Comment: This variant is classified as likely benign based on ACMG/AMP sequence variant interpretation guidelines (Richards et al. 2015 PMID: 25741868, with internal and published modifications).

NM_001394062.1(MACF1):c.14751A>G (p.Pro4917=)

Genes: MACF1 (microtubule actin crosslinking factor 1; plus strand), LOC114803468 (MACF1 eExon liver enhancer; plus strand). Cytogenetic location: 1p34.3.
Variant type: single nucleotide variant.
Coding change: c.14751A>G on transcript NM_001394062.1 (MANE Select); coding-DNA position 14751, A replaced by G.
Protein change: p.Pro4917=; no amino-acid change (proline 4917 retained).
Molecular consequence: synonymous variant.
Genome position (GRCh38, 1-based): chr1:39,387,593, A>G. VCF-style: chr1-39387593-A-G. GRCh37 (hg19) VCF-style: chr1-39853265-A-G.
Other names: c.8565A>G, p.Pro2855= (NM_012090.5).
Identifiers: ClinVar variation 2082762 (VCV002082762.5), dbSNP rs140010098, ClinGen allele CA782298.